The following is an entry in ClinVar:

NM_182931.3(KMT2E):c.800A>G (p.Asp267Gly)

Gene: KMT2E (lysine methyltransferase 2E (inactive); plus strand). Cytogenetic location: 7q22.3.
Variant type: single nucleotide variant.
Coding change: c.800A>G on transcript NM_182931.3 (MANE Select); coding-DNA position 800, A replaced by G.
Protein change: p.Asp267Gly; replaces aspartic acid 267 with glycine.
Molecular consequence: missense variant.
Genome position (GRCh38, 1-based): chr7:105,076,994, A>G. VCF-style: chr7-105076994-A-G. GRCh37 (hg19) VCF-style: chr7-104717441-A-G.
Other names: c.800A>G, p.Asp267Gly (NM_001410908.1, NM_018682.4); short protein forms D267G.
Identifiers: ClinVar variation 2629748 (VCV002629748.12), dbSNP rs1481805983, ClinGen allele CA368777466.
Genomic context (GRCh38, chr7:105,076,994, plus strand): 5'-AGATACTAAAGCTCAGTTTATGATTTTAGGGTTCAGCTCCAGAGATTGATCCTTCATCTG[A>G]TGGTTCAAATTTTGGATGGGAGACAAAGATCAAAGCATGGATGGATCGATATGAAGAAGC-3'
Protein context (NP_891847.1, residues 257-277): GSAPEIDPSS[Asp267Gly]GSNFGWETKI

ClinVar aggregate classification (germline): Uncertain significance. Review status: criteria provided, multiple submitters, no conflicts (2 of 4 stars). 3 submissions from 3 submitters: Uncertain significance (3). Last evaluated 2025-08-01.

Conditions:
KMT2E-related disorder. Also called: KMT2E-related condition.

Allele frequency attached by ClinVar (database versions not stated): gnomAD exomes below 0.00001.
gnomAD v4.1: 5 of 1,613,190 alleles (0.00031%); highest among the groups gnomAD compares: South Asian, 0.0044%; no homozygotes.

Submissions (3):

CeGaT Center for Human Genetics Tuebingen
Classification: Uncertain significance. Last evaluated: 2025-08-01. Review status: criteria provided, single submitter. Criteria: CeGaT Center For Human Genetics Tuebingen Variant Classification Criteria Version 2. Collection method: clinical testing. Allele origin: germline. Affected: yes. Observed: 1 variant allele.

Labcorp Genetics (formerly Invitae), Labcorp
Classification: Uncertain significance. Last evaluated: 2023-03-03. Review status: criteria provided, single submitter. Criteria: Invitae Variant Classification Sherloc (09022015). Collection method: clinical testing. Allele origin: germline.
Comment: In summary, the available evidence is currently insufficient to determine the role of this variant in disease. Therefore, it has been classified as a Variant of Uncertain Significance. Advanced modeling of protein sequence and biophysical properties (such as structural, functional, and spatial information, amino acid conservation, physicochemical variation, residue mobility, and thermodynamic stability) performed at Invitae indicates that this missense variant is not expected to disrupt KMT2E protein function. This variant has not been reported in the literature in individuals affected with KMT2E-related conditions. This variant is present in population databases (no rsID available, gnomAD 0.003%). This sequence change replaces aspartic acid, which is acidic and polar, with glycine, which is neutral and non-polar, at codon 267 of the KMT2E protein (p.Asp267Gly).

PreventionGenetics, part of Exact Sciences
Classification: Uncertain significance for KMT2E-related condition. Last evaluated: 2023-01-04. Review status: criteria provided, single submitter. Criteria: ACMG Guidelines, 2015. Collection method: clinical testing. Allele origin: germline.
Comment: The KMT2E c.800A>G variant is predicted to result in the amino acid substitution p.Asp267Gly. To our knowledge, this variant has not been reported in the literature. This variant is reported in 0.0033% of alleles in individuals of South Asian descent in gnomAD. At this time, the clinical significance of this variant is uncertain due to the absence of conclusive functional and genetic evidence.